The following is an entry in ClinVar:

NM_017777.4(MKS1):c.262-62_262-40del

Gene: MKS1 (MKS transition zone complex subunit 1; minus strand). Cytogenetic location: 17q22.
Variant type: Deletion.
Coding change: c.262-62_262-40del on transcript NM_017777.4 (MANE Select); 62 bases into the intron before coding-DNA position 262 through 40 bases into the intron before coding-DNA position 262, 23 bases deleted (GAAGCAAAAGTTTGATGTATTAT).
Molecular consequence: intron variant.
Genome position (GRCh38, 1-based): chr17:58,216,283-58,216,305, ATAATACATCAAACTTTTGCTTC deleted on the plus strand (GAAGCAAAAGTTTGATGTATTAT on the coding strand, the reverse complement: MKS1 is on the minus strand). VCF-style (leftmost placement, unchanged base first): chr17-58216282-TATAATACATCAAACTTTTGCTTC-T. GRCh37 (hg19) VCF-style: chr17-56293643-TATAATACATCAAACTTTTGCTTC-T.
Other names: c.-250-62_-250-40del (NM_001321268.2); c.262-62_262-40del (NM_001330397.2, NM_001321269.2, NM_001411113.1).
Identifiers: ClinVar variation 3040553 (VCV003040553.2), dbSNP rs762285515, ClinGen allele CA8669581.

ClinVar aggregate classification (germline): Likely benign (0 of 4 stars; one submission).

Conditions:
MKS1-related disorder. Also called: MKS1-related disorders; MKS1-related condition. Identifiers: MedGen CN239382.

Allele frequency attached by ClinVar (database versions not stated): gnomAD 0.00001; gnomAD exomes 0.00003; TOPMed 0.00003; ExAC 0.00006.

Submission:

PreventionGenetics, part of Exact Sciences
Classification: Likely benign for MKS1-related condition. Last evaluated: 2021-08-19. Review status: no assertion criteria provided. Collection method: clinical testing. Allele origin: germline.
Comment: This variant is classified as likely benign based on ACMG/AMP sequence variant interpretation guidelines (Richards et al. 2015 PMID: 25741868, with internal and published modifications).